The following is an entry in ClinVar:

ClinVar aggregate classification (germline): Likely pathogenic (1 of 4 stars; one submission).

Conditions:
Autosomal recessive nonsyndromic hearing loss 21. Identifiers: Orphanet 90636, MedGen C1863655, MONDO:0011351, OMIM 603629.

Submission:

MVZ Medizinische Genetik Mainz
Classification: Likely pathogenic for Autosomal recessive nonsyndromic hearing loss 21. Last evaluated: 2026-01-28. Review status: criteria provided, single submitter. Criteria: UK Practice Guidelines For Variant Classification V4 01 2020. Collection method: clinical testing. Allele origin: germline. Inheritance: Autosomal recessive inheritance. Affected: yes. Observed: 1 variant allele.
Comment: ACMG Criteria: PVS1_STR,PS1,PM2_SUP

NM_005422.4(TECTA):c.6162+1G>T

Genes: TBCEL-TECTA (TBCEL-TECTA readthrough; plus strand), TECTA (tectorin alpha; plus strand). Cytogenetic location: 11q23.3.
Variant type: single nucleotide variant.
Coding change: c.6162+1G>T on transcript NM_005422.4 (MANE Select); the canonical splice donor site of the intron after coding-DNA position 6162, G replaced by T.
Molecular consequence: splice donor variant.
Genome position (GRCh38, 1-based): chr11:121,187,995, G>T. VCF-style: chr11-121187995-G-T. GRCh37 (hg19) VCF-style: chr11-121058704-G-T.
Other names: c.7104+1G>T (NM_001378761.1).
Identifiers: ClinVar variation 4852353 (VCV004852353.1).